The following is an entry in ClinVar:

NM_001999.4(FBN2):c.7340G>A (p.Gly2447Glu)

Gene: FBN2 (fibrillin 2; minus strand). Cytogenetic location: 5q23.3.
Variant type: single nucleotide variant.
Coding change: c.7340G>A on transcript NM_001999.4 (MANE Select); coding-DNA position 7340, G replaced by A.
Protein change: p.Gly2447Glu; replaces glycine 2447 with glutamic acid.
Molecular consequence: missense variant.
Genome position (GRCh38, 1-based): chr5:128,278,640, C>T on the plus strand (G>A on the coding strand, the complement: FBN2 is on the minus strand). VCF-style: chr5-128278640-C-T. GRCh37 (hg19) VCF-style: chr5-127614332-C-T.
Other names: short protein forms G2447E.
Identifiers: ClinVar variation 3340222 (VCV003340222.3).

ClinVar aggregate classification (germline): Uncertain significance. Review status: criteria provided, multiple submitters, no conflicts (2 of 4 stars). 2 submissions from 2 submitters: Uncertain significance (2). Last evaluated 2024-03-12.

Conditions:
Congenital contractural arachnodactyly (CCA). Also called: BEALS SYNDROME; Arthrogryposis, distal, type 9; Beals-Hecht syndrome. Identifiers: Orphanet 115, MedGen C0220668, MONDO:0007363, OMIM 121050.

gnomAD v4.1: 1 of 1,613,662 alleles (0.000062%); no homozygotes.

Submissions (2):

Labcorp Genetics (formerly Invitae), Labcorp
Classification: Uncertain significance for Congenital contractural arachnodactyly. Last evaluated: 2024-03-12. Review status: criteria provided, single submitter. Criteria: Invitae Variant Classification Sherloc (09022015). Collection method: clinical testing. Allele origin: germline.
Comment: This sequence change replaces glycine, which is neutral and non-polar, with glutamic acid, which is acidic and polar, at codon 2447 of the FBN2 protein (p.Gly2447Glu). This variant is present in population databases (no rsID available, gnomAD no frequency). This missense change has been observed in individual(s) with aortic root dilation (Invitae). Advanced modeling of protein sequence and biophysical properties (such as structural, functional, and spatial information, amino acid conservation, physicochemical variation, residue mobility, and thermodynamic stability) performed at Invitae indicates that this missense variant is expected to disrupt FBN2 protein function with a positive predictive value of 80%. In summary, the available evidence is currently insufficient to determine the role of this variant in disease. Therefore, it has been classified as a Variant of Uncertain Significance.

GeneDx
Classification: Uncertain significance. Last evaluated: 2024-01-16. Review status: criteria provided, single submitter. Criteria: GeneDx Variant Classification Process June 2021. Collection method: clinical testing. Allele origin: germline. Affected: yes.
Comment: Has not been previously published as pathogenic or benign to our knowledge; Not observed at significant frequency in large population cohorts (gnomAD); In silico analysis supports that this missense variant has a deleterious effect on protein structure/function